The following is an entry in ClinVar:

ClinVar aggregate classification (germline): Likely benign. Review status: criteria provided, multiple submitters, no conflicts (2 of 4 stars). 2 submissions from 2 submitters: Likely benign (2). Last evaluated 2026-01-13.

Conditions:
CHD5-related disorder. Also called: CHD5-related condition.

gnomAD v4.1: 881 of 1,612,352 alleles (0.055%); highest among the groups gnomAD compares: South Asian, 0.15%; 3 homozygotes.

Submissions (2):

PreventionGenetics, part of Exact Sciences
Classification: Likely benign for CHD5-related condition. Last evaluated: 2026-01-13. Review status: criteria provided, single submitter. Criteria: ACMG Guidelines, 2015. Collection method: clinical testing. Allele origin: germline.
Comment: This variant is classified as likely benign based on ACMG/AMP sequence variant interpretation guidelines (Richards et al. 2015 PMID: 25741868, with internal and published modifications).

Blueprint Genetics
Classification: Likely benign. Last evaluated: 2024-11-26. Review status: criteria provided, single submitter. Criteria: ACMG Guidelines, 2015. Collection method: clinical testing. Allele origin: germline.

NM_015557.3(CHD5):c.3471C>T (p.Arg1157=)

Gene: CHD5 (chromodomain helicase DNA binding protein 5; minus strand). Cytogenetic location: 1p36.31.
Variant type: single nucleotide variant.
Coding change: c.3471C>T on transcript NM_015557.3 (MANE Select); coding-DNA position 3471, C replaced by T.
Protein change: p.Arg1157=; no amino-acid change (arginine 1157 retained).
Molecular consequence: synonymous variant.
Genome position (GRCh38, 1-based): chr1:6,128,986, G>A on the plus strand (C>T on the coding strand, the complement: CHD5 is on the minus strand). VCF-style: chr1-6128986-G-A. GRCh37 (hg19) VCF-style: chr1-6189046-G-A.
Other names: c.3471C>T (NM_015557.2).
Identifiers: ClinVar variation 4926433 (VCV004926433.2).